The following is an entry in ClinVar:

NM_000503.6(EYA1):c.966+4C>T

Gene: EYA1 (EYA transcriptional coactivator and phosphatase 1; minus strand). Cytogenetic location: 8q13.3.
Variant type: single nucleotide variant.
Coding change: c.966+4C>T on transcript NM_000503.6 (MANE Select); 4 bases into the intron after coding-DNA position 966, C replaced by T.
Molecular consequence: intron variant.
Genome position (GRCh38, 1-based): chr8:71,271,754, G>A on the plus strand (C>T on the coding strand, the complement: EYA1 is on the minus strand). VCF-style: chr8-71271754-G-A. GRCh37 (hg19) VCF-style: chr8-72183989-G-A.
Other names: c.1035+4C>T (NM_001370336.1); c.1053+4C>T (NM_001370333.1); c.966+4C>T (NM_001370335.1, NM_001370334.1, NM_172058.4); c.1038+4C>T (NM_172059.5); c.600+4C>T (NM_001288575.2); c.948+4C>T (NM_001288574.2).
Identifiers: ClinVar variation 363651 (VCV000363651.23), dbSNP rs139429307, ClinGen allele CA4779613.

ClinVar aggregate classification (germline): Benign/Likely benign. Review status: criteria provided, multiple submitters, no conflicts (2 of 4 stars). 7 submissions from 6 submitters: Benign (4); Likely benign (3). Last evaluated 2025-12-31.

Conditions:
Otofaciocervical syndrome 1 (OTFCS). Identifiers: MedGen C3714941, MONDO:0024532, OMIM 166780.
Branchiootorenal syndrome 1. Also called: Branchio-Oto-Renal Syndrome 1. Identifiers: Orphanet 107, MedGen C4551702, MONDO:0007236, OMIM 113650.
Branchiootic syndrome 1 (BOS1). Also called: BO SYNDROME 1; BRANCHIOOTIC DYSPLASIA. Identifiers: MedGen C1865143, MONDO:0011258, OMIM 602588.
Melnick-Fraser syndrome (BOR). Also called: Branchiootorenal syndrome; Branchio-oto-renal syndrome; Branchiootorenal Syndrome (BORS). Identifiers: Orphanet 107, MedGen C0265234, MONDO:0007029.

Allele frequency attached by ClinVar (database versions not stated): gnomAD 0.00032 and 0.00042; TOPMed 0.00075; ExAC 0.00117; 1000 Genomes Project 0.00240; 1000 Genomes Project 30x 0.00250.
gnomAD v4.1: 430 of 1,614,138 alleles (0.027%); highest among the groups gnomAD compares: East Asian, 0.83%; 1 homozygote.

Submissions (7):

Labcorp Genetics (formerly Invitae), Labcorp
Classification: Benign for Melnick-Fraser syndrome. Last evaluated: 2025-12-31. Review status: criteria provided, single submitter. Criteria: Invitae Variant Classification Sherloc (09022015). Collection method: clinical testing. Allele origin: germline.

Blueprint Genetics
Classification: Likely benign. Last evaluated: 2024-11-20. Review status: criteria provided, single submitter. Criteria: ACMG Guidelines, 2015. Collection method: clinical testing. Allele origin: germline.

Fulgent Genetics
Classification: Likely benign for Branchiootorenal syndrome 1; Otofaciocervical syndrome 1; Branchiootic syndrome 1. Last evaluated: 2022-05-04. Review status: criteria provided, single submitter. Criteria: ACMG Guidelines, 2015. Collection method: clinical testing. Allele origin: unknown.

GeneDx
Classification: Likely benign. Last evaluated: 2020-07-06. Review status: criteria provided, single submitter. Criteria: GeneDx Variant Classification Process June 2021. Collection method: clinical testing. Allele origin: germline. Affected: yes.

Illumina Laboratory Services, Illumina
Classification: Benign for Otofaciocervical syndrome 1. Last evaluated: 2018-01-13. Review status: criteria provided, single submitter. Criteria: ICSL Variant Classification Criteria 13 December 2019. Collection method: clinical testing. Allele origin: germline.
Comment: This variant was observed in the ICSL laboratory as part of a predisposition screen in an ostensibly healthy population. It had not been previously curated by ICSL or reported in the Human Gene Mutation Database (HGMD: prior to June 1st, 2018), and was therefore a candidate for classification through an automated scoring system. Utilizing variant allele frequency, disease prevalence and penetrance estimates, and inheritance mode, an automated score was calculated to assess if this variant is too frequent to cause the disease. Based on the score and internal cut-off values, a variant classified as benign is not then subjected to further curation. The score for this variant resulted in a classification of benign for this disease.

Illumina Laboratory Services, Illumina
Classification: Benign for Branchiootic syndrome. Last evaluated: 2018-01-13. Review status: criteria provided, single submitter. Criteria: ICSL Variant Classification Criteria 13 December 2019. Collection method: clinical testing. Allele origin: germline.
Comment: the same text as in the submission from Illumina Laboratory Services, Illumina above.

Laboratory for Molecular Medicine, Mass General Brigham Personalized Medicine
Classification: Benign. Last evaluated: 2016-03-21. Review status: criteria provided, single submitter. Criteria: LMM Criteria. Collection method: clinical testing. Allele origin: germline. Observed: 2 variant alleles.
Comment: c.966+4C>T in intron 9 of EYA1: This variant is not expected to have clinical si gnificance because it has been identified in 1.61% (139/8654) of East Asian chro mosomes by the Exome Aggregation Consortium (ExAC, g; dbSNP rs139429307).